The following is an entry in ClinVar:

ClinVar aggregate classification (germline): Uncertain significance (1 of 4 stars; one submission).

Conditions:
Combined oxidative phosphorylation defect type 24. Also called: Combined oxidative phosphorylation deficiency 24. Identifiers: Orphanet 444458, MedGen C4015643, MONDO:0014547, OMIM 616239.

Submission:

SIB Swiss Institute of Bioinformatics
Classification: Uncertain significance for Combined oxidative phosphorylation defect type 24. Last evaluated: 2022-06-08. Review status: criteria provided, single submitter. Criteria: ACMG Guidelines, 2015. Collection method: curation. Allele origin: unknown.
Comment: This variant is interpreted as a variant of uncertain significance for Combined oxidative phosphorylation deficiency 24, autosomal recessive. The following ACMG Tag(s) were applied: Absent from controls (or at extremely low frequency if recessive) in Exome Sequencing Project, 1000 Genomes Project, or Exome Aggregation Consortium (PM2); Multiple lines of computational evidence support a deleterious effect on the gene or gene product (PP3).

Literature cited by the submitters: PubMed 35558980.

NM_024678.6(NARS2):c.1290G>C (p.Trp430Cys)

Gene: NARS2 (asparaginyl-tRNA synthetase 2, mitochondrial; minus strand). Cytogenetic location: 11q14.1.
Variant type: single nucleotide variant.
Coding change: c.1290G>C on transcript NM_024678.6 (MANE Select); coding-DNA position 1290, G replaced by C.
Protein change: p.Trp430Cys; replaces tryptophan 430 with cysteine.
Molecular consequence: missense variant.
Genome position (GRCh38, 1-based): chr11:78,436,814, C>G on the plus strand (G>C on the coding strand, the complement: NARS2 is on the minus strand). VCF-style: chr11-78436814-C-G. GRCh37 (hg19) VCF-style: chr11-78147860-C-G.
Other names: c.609G>C, p.Trp203Cys (NM_001243251.2); short protein forms W203C, W430C.
Identifiers: ClinVar variation 1691419 (VCV001691419.2), dbSNP rs2135124873, ClinGen allele CA382178525.